The following is an entry in ClinVar:

ClinVar aggregate classification (germline): Uncertain significance (1 of 4 stars; one submission).

Allele frequency attached by ClinVar (database versions not stated): ExAC 0.00001; gnomAD exomes 0.00001; TOPMed 0.00001; gnomAD 0.00002.
gnomAD v4.1: 15 of 1,613,414 alleles (0.00093%); highest among the groups gnomAD compares: African/African-American, 0.0013%; no homozygotes.

Submission:

Labcorp Genetics (formerly Invitae), Labcorp
Classification: Uncertain significance. Last evaluated: 2023-12-14. Review status: criteria provided, single submitter. Criteria: Invitae Variant Classification Sherloc (09022015). Collection method: clinical testing. Allele origin: germline.
Comment: This sequence change replaces isoleucine, which is neutral and non-polar, with valine, which is neutral and non-polar, at codon 263 of the C7 protein (p.Ile263Val). This variant is present in population databases (rs200693616, gnomAD 0.004%). This variant has not been reported in the literature in individuals affected with C7-related conditions. Advanced modeling of protein sequence and biophysical properties (such as structural, functional, and spatial information, amino acid conservation, physicochemical variation, residue mobility, and thermodynamic stability) performed at Invitae indicates that this missense variant is expected to disrupt C7 protein function with a positive predictive value of 80%. In summary, the available evidence is currently insufficient to determine the role of this variant in disease. Therefore, it has been classified as a Variant of Uncertain Significance.

NM_000587.4(C7):c.787A>G (p.Ile263Val)

Gene: C7 (complement C7; plus strand). Cytogenetic location: 5p13.1.
Variant type: single nucleotide variant.
Coding change: c.787A>G on transcript NM_000587.4 (MANE Select); coding-DNA position 787, A replaced by G.
Protein change: p.Ile263Val; replaces isoleucine 263 with valine.
Molecular consequence: missense variant.
Genome position (GRCh38, 1-based): chr5:40,947,650, A>G. VCF-style: chr5-40947650-A-G. GRCh37 (hg19) VCF-style: chr5-40947752-A-G.
Other names: short protein forms I263V.
Identifiers: ClinVar variation 2895736 (VCV002895736.2), dbSNP rs200693616, ClinGen allele CA3249770.
Genomic context (GRCh38, chr5:40,947,650, plus strand): 5'-TTCTTTCCACAGAGTTACCAACTGCTGGTTGTTGAGAACACTGTTGAAGTGGCTCAGTTC[A>G]TTAATAACAATCCAGAATTTTTACAACTTGCTGAGCCATTCTGGAAGGAGCTTTCCCACC-3'
Protein context (NP_000578.2, residues 253-273): VENTVEVAQF[Ile263Val]NNNPEFLQLA